The following is an entry in ClinVar:

NM_021831.6(AGBL5):c.2435C>A (p.Pro812His)

Gene: AGBL5 (AGBL carboxypeptidase 5; plus strand). Cytogenetic location: 2p23.3.
Variant type: single nucleotide variant.
Coding change: c.2435C>A on transcript NM_021831.6 (MANE Select); coding-DNA position 2435, C replaced by A.
Protein change: p.Pro812His; replaces proline 812 with histidine.
Molecular consequence: missense variant. On other transcripts: non-coding transcript variant (2).
Genome position (GRCh38, 1-based): chr2:27,069,652, C>A. VCF-style: chr2-27069652-C-A. GRCh37 (hg19) VCF-style: chr2-27292520-C-A.
Other names: short protein forms P812H.
Identifiers: ClinVar variation 1367672 (VCV001367672.9), dbSNP rs371326361, ClinGen allele CA346142179.

ClinVar aggregate classification (germline): Uncertain significance. Review status: criteria provided, multiple submitters, no conflicts (2 of 4 stars). 2 submissions from 2 submitters: Uncertain significance (2). Last evaluated 2024-11-11.

gnomAD v4.1: 4 of 1,614,082 alleles (0.00025%); highest among the groups gnomAD compares: Admixed American, 0.0017%; no homozygotes.

Submissions (2):

Labcorp Genetics (formerly Invitae), Labcorp
Classification: Uncertain significance. Last evaluated: 2024-11-11. Review status: criteria provided, single submitter. Criteria: Invitae Variant Classification Sherloc (09022015). Collection method: clinical testing. Allele origin: germline.
Comment: This sequence change replaces proline, which is neutral and non-polar, with histidine, which is basic and polar, at codon 812 of the AGBL5 protein (p.Pro812His). This variant is not present in population databases (gnomAD no frequency). This variant has not been reported in the literature in individuals affected with AGBL5-related conditions. ClinVar contains an entry for this variant (Variation ID: 1367672). An algorithm developed to predict the effect of missense changes on protein structure and function (PolyPhen-2) suggests that this variant is likely to be tolerated. In summary, the available evidence is currently insufficient to determine the role of this variant in disease. Therefore, it has been classified as a Variant of Uncertain Significance.

Blueprint Genetics
Classification: Uncertain significance. Last evaluated: 2021-08-12. Review status: criteria provided, single submitter. Criteria: ACMG Guidelines, 2015. Collection method: clinical testing. Allele origin: germline.